The following continues an entry in ClinVar:

NM_000051.4(ATM):c.2250G>A (p.Lys750=)

Gene: ATM. ClinVar aggregate classification (germline): Pathogenic/Likely pathogenic. Pathogenic (24); Likely pathogenic (2).

Submissions 26 to 32 of 32:

Kasturba Medical College, Manipal, Kasturba Medical College, Manipal, Manipal Academy of Higher Education, Manipal, India
Classification: Pathogenic for Ataxia-telangiectasia syndrome. Review status: criteria provided, single submitter. Criteria: ACMG Guidelines, 2015. Collection method: clinical testing. Allele origin: biparental. Affected: yes.

BRCAlab, Lund University
Classification: Likely pathogenic for Familial cancer of breast. Last evaluated: 2022-08-26. Review status: no assertion criteria provided. Collection method: clinical testing. Allele origin: germline. Affected: yes. Not counted in ClinVar's aggregate classification.

King Laboratory, University of Washington
Classification: Pathogenic for Familial cancer of breast. Last evaluated: 2019-09-01. Review status: no assertion criteria provided. Collection method: research. Allele origin: germline. Affected: yes. Not counted in ClinVar's aggregate classification.
Comment: Transcript analysis by cBROCA

Counsyl
Classification: Pathogenic for Ataxia-telangiectasia syndrome. Last evaluated: 2016-05-27. Review status: no assertion criteria provided. Collection method: clinical testing. Allele origin: unknown. Not counted in ClinVar's aggregate classification.

OMIM
Classification: Pathogenic for ATAXIA-TELANGIECTASIA. Last evaluated: 2002-04-01. Review status: no assertion criteria provided. Collection method: literature only. Allele origin: germline. Not counted in ClinVar's aggregate classification.

Department of Pathology and Laboratory Medicine, Sinai Health System
Classification: Likely pathogenic for Malignant tumor of breast. Review status: no assertion criteria provided. Collection method: clinical testing. Allele origin: unknown. Affected: yes. Study: The Canadian Open Genetics Repository (COGR). Not counted in ClinVar's aggregate classification.
Comment: The ATM p.Lys750= variant was identified in 12 of 886 proband chromosomes (frequency: 0.01) from individuals or families with Ataxia Telangiectasia or breast cancer (Chessa 2009, Goidescu 2017, Laake 2000, Podralska 2014, Sandoval 1999, Stankovic 1998). The variant was also identified in dbSNP (ID: rs1137887) as "With Pathogenic allele", ClinVar (classified as likely pathogenic by Color, GeneDx and GeneKor MSA; and as pathogenic by Invitae, Ambry Genetics and four other submitters), and in LOVD 3.0 (16x). The variant was identified in control databases in 11 of 245598 chromosomes at a frequency of 0.00005 (Genome Aggregation Database Feb 27, 2017). The variant was observed in the following populations: Other in 1 of 5464 chromosomes (freq: 0.0002), Latino in 1 of 33512 chromosomes (freq: 0.00003), and European in 9 of 111430 chromosomes (freq: 0.00008), while the variant was not observed in the African, Ashkenazi Jewish, East Asian, Finnish, or South Asian populations. The p.Lys750= variant is not predicted to result in a change of amino acid; however, it occurs in the invariant region of the splice consensus sequence and 3 of 4 in silico or computational prediction software programs (SpliceSiteFinder, MaxEntScan, NNSPLICE, GeneSplicer) predict a greater than 10% difference in splicing. In addition, multiple studies have demonstrated this variant affects splicing of the mRNA, leading to exon skipping and a predicted in-frame deletion of 42 residues from Glu709 to Lys750 (Sandoval 1999, Teraoka 1999). In summary, based on the above information, the clinical significance of this variant cannot be determined with certainty at this time although we would lean towards a more pathogenic role for this variant. This variant is classified as likely pathogenic.

Genetics Laboratory, Great Ormond Street Hospital NHS Foundation Trust, North Thames Genomic Laboratory Hub
Classification: Uncertain significance for Inherited breast cancer and ovarian cancer. Last evaluated: 2026-03-27. Review status: flagged submission. Criteria: CanVIG ATM Gene Specific V1.2. Collection method: clinical testing. Allele origin: germline. Affected: yes. Not counted in ClinVar's aggregate classification.
Comment: PS3_strong, PM3_strong
ClinVar note: Reason: Outlier claim with insufficient supporting evidence

Literature cited by the submitters: PubMed 27671921 (cited by 4 submitters); PubMed 12552559 (cited by 6 submitters); PubMed 25037873 (cited by 3 submitters); PubMed 9463314 (cited by 11 submitters); PubMed 9887333 (cited by 11 submitters); PubMed 10330348 (cited by 9 submitters); PubMed 10980530 (cited by 9 submitters); PubMed 19691550 (cited by 8 submitters); PubMed 17576681 (cited by Labcorp Genetics (formerly Invitae), Labcorp and Department of Clinical Genetics, Copenhagen University Hospital, Rigshospitalet); PubMed 9536098 (cited by Labcorp Genetics (formerly Invitae), Labcorp and Department of Clinical Genetics, Copenhagen University Hospital, Rigshospitalet); PubMed 17124347 (cited by 5 submitters); PubMed 18321536 (cited by 3 submitters); PubMed 18634022 (cited by Color Diagnostics, LLC DBA Color Health); PubMed 21445571 (cited by 3 submitters); PubMed 21792198 (cited by 3 submitters); PubMed 25614872 (cited by 3 submitters); PubMed 26681312 (cited by 4 submitters); PubMed 28779002 (cited by Color Diagnostics, LLC DBA Color Health); PubMed 29785153 (cited by Color Diagnostics, LLC DBA Color Health); PubMed 31843900 (cited by 4 submitters); PubMed 35145552 (cited by Color Diagnostics, LLC DBA Color Health); PubMed 26270727 (cited by Ambry Genetics and Quest Diagnostics Nichols Institute San Juan Capistrano); PubMed 10873394 (cited by Institute for Genomic Medicine (IGM) Clinical Laboratory, Nationwide Children's Hospital and Spanish ATM Cancer Susceptibility Variant Interpretation Working Group); PubMed 32427313 (cited by Sema4 and Quest Diagnostics Nichols Institute San Juan Capistrano); PubMed 16941484 (cited by 3 submitters); PubMed 29600275 (cited by Spanish ATM Cancer Susceptibility Variant Interpretation Working Group); PubMed 27613453 (cited by Spanish ATM Cancer Susceptibility Variant Interpretation Working Group); PubMed 26845104 (cited by 3 submitters); PubMed 24549055 (cited by Athena Diagnostics and Quest Diagnostics Nichols Institute San Juan Capistrano); PubMed 11889466 (cited by 3 submitters); PubMed 12815592 (cited by 3 submitters); PubMed 8789452 (cited by Athena Diagnostics and Quest Diagnostics Nichols Institute San Juan Capistrano); PubMed 33280026 (cited by Quest Diagnostics Nichols Institute San Juan Capistrano); PubMed 31948886 (cited by Quest Diagnostics Nichols Institute San Juan Capistrano); PubMed 32885271 (cited by Quest Diagnostics Nichols Institute San Juan Capistrano); PubMed 26896183 (cited by Quest Diagnostics Nichols Institute San Juan Capistrano); PubMed 31159747 (cited by Quest Diagnostics Nichols Institute San Juan Capistrano); DOI 10.1093/hmg/8.1.69 (cited by Kasturba Medical College, Manipal, Kasturba Medical College, Manipal, Manipal Academy of Higher Education, Manipal, India); PubMed 21665257 (cited by Counsyl).